The following is an entry in ClinVar:

ClinVar aggregate classification (germline): Uncertain significance (1 of 4 stars; one submission).

Conditions:
KAT6A-related neurodevelopmental disorder with multiple anomalies.

Submission:

GeneDx
Classification: Uncertain significance. Last evaluated: 2014-05-05. Review status: criteria provided, single submitter. Criteria: GeneDx Variant Classification (06012015). Collection method: clinical testing. Allele origin: germline. Affected: yes.
Comment: The KAT6A gene is a candidate gene. This variant requires further evaluation in a research setting. To date, no mutations in the KAT6A gene have been reported in association with a specific human disease to our knowledge. However, multiple patients presenting with global developmental delay, dysmorphic facial features, hypotonia, and cardiac anomalies were found to carry a de novo variant in the KAT6A gene at GeneDx. While the function of KAT6A has not been completely defined, studies in mice suggest that KAT6A may act as a chromatin modifier by interacting with the TBX1 gene. Mutations in the TBX1 gene as well as contiguous gene deletions including the TBX1 gene within cytogenetic band 22q11 cause Velocardiofacial/DiGeorge syndrome. KAT6A-null mice have features that mirror the 22q11 deletion syndrome, suggesting KAT6A is involved in cardiac, pharyngeal and facial development (Voss et al., 2012).; p.Arg1278SerfsX17: c.3830_3831insTT in exon 18 in the KAT6A gene (NM_001099412.1). The normal sequence with the bases that are inserted in braces is: GAAGCC{TT}CCGT. The c.3830_3831insTT variant in the KAT6A gene has not been reported previously as a disease-causing mutation nor as a benign polymorphism, to our knowledge. The c.3830_3831insTT variant was not observed in approximately 6500 individuals of European and African American ancestry in the NHLBI Exome Sequencing Project, indicating it is not a common benign variant in these populations. The c.3830_3831insTT variant causes a frameshift starting with codon Arginine 1278, changes this amino acid to a Serine residue and creates a premature Stop codon at position 17 of the new reading frame, denoted p.Arg1278SerfsX17. This variant is predicted to cause loss of normal protein function through protein truncation. We interpret c.3830_3831insTT as a variant of unknown significance. This variant has been seen de novo. The variant is found in KAT6A panel(s).

Literature cited by the submitters: PubMed 25728777 (cited by GeneDx).

NM_006766.5(KAT6A):c.3830_3831insTT (p.Arg1278fs)

Gene: KAT6A (lysine acetyltransferase 6A; minus strand). Cytogenetic location: 8p11.21.
Variant type: Insertion.
Coding change: c.3830_3831insTT on transcript NM_006766.5 (MANE Select); coding-DNA positions 3830 to 3831, TT inserted.
Protein change: p.Arg1278fs; shifts the reading frame from arginine 1278.
Molecular consequence: frameshift variant.
Genome position: GRCh38 VCF-style: chr8-41934389-G-GAA. GRCh37 (hg19) VCF-style: chr8-41791907-G-GAA.
Other names: NM_001099412.1:c.3830_3831insTT; short protein forms R1278fs.
Identifiers: ClinVar variation 162181 (VCV000162181.4), dbSNP rs786200955, ClinGen allele CA004197.